The following is an entry in ClinVar:

NM_001042492.3(NF1):c.5953G>A (p.Glu1985Lys)

Gene: NF1 (neurofibromin 1; plus strand). Cytogenetic location: 17q11.2.
Variant type: single nucleotide variant.
Coding change: c.5953G>A on transcript NM_001042492.3 (MANE Select); coding-DNA position 5953, G replaced by A.
Protein change: p.Glu1985Lys; replaces glutamic acid 1985 with lysine.
Molecular consequence: missense variant.
Genome position (GRCh38, 1-based): chr17:31,334,978, G>A. VCF-style: chr17-31334978-G-A. GRCh37 (hg19) VCF-style: chr17-29661996-G-A.
Other names: c.5890G>A, p.Glu1964Lys (NM_000267.4); short protein forms E1964K, E1985K.
Identifiers: ClinVar variation 561738 (VCV000561738.1), dbSNP rs1567615890, ClinGen allele CA399010856.

ClinVar aggregate classification (germline): Uncertain significance (1 of 4 stars; one submission).

Submission:

GeneDx
Classification: Uncertain significance. Last evaluated: 2018-02-16. Review status: criteria provided, single submitter. Criteria: GeneDx Variant Classification (06012015). Collection method: clinical testing. Allele origin: germline. Affected: yes.
Comment: This variant is denoted NF1 c.5890G>A at the cDNA level, p.Glu1964Lys (E1964K) at the protein level, and results in the change of a Glutamic Acid to a Lysine (GAA>AAA). This variant has not, to our knowledge, been published in the literature as pathogenic or benign. NF1 Glu1964Lys was not observed in large population cohorts (Lek 2016). This variant is not located in a known functional domain. In silico analysis, which includes protein predictors and evolutionary conservation, supports a deleterious effect. Based on currently available evidence, it is unclear whether NF1 Glu1964Lys is a pathogenic or benign variant. We consider it to be a variant of uncertain significance.